The following is an entry in ClinVar:

ClinVar aggregate classification (germline): Uncertain significance (1 of 4 stars; one submission).

Conditions:
VPS13B-related disorder. Also called: VPS13B-related condition.

Submission:

PreventionGenetics, part of Exact Sciences
Classification: Uncertain significance for VPS13B-related condition. Last evaluated: 2026-09-01. Review status: criteria provided, single submitter. Criteria: ACMG Guidelines, 2015. Collection method: clinical testing. Allele origin: germline.
Comment: The VPS13B c.10543T>G variant is predicted to result in the amino acid substitution p.Tyr3515Asp. To our knowledge, this variant has not been reported in the literature or in a large population database (gnomAD), indicating this variant is rare. At this time, the clinical significance of this variant is uncertain due to the absence of conclusive functional and genetic evidence.

NM_152564.5(VPS13B):c.10543T>G (p.Tyr3515Asp)

Gene: VPS13B (vacuolar protein sorting 13 homolog B; plus strand). Cytogenetic location: 8q22.2.
Variant type: single nucleotide variant.
Coding change: c.10543T>G on transcript NM_152564.5 (MANE Select); coding-DNA position 10543, T replaced by G.
Protein change: p.Tyr3515Asp; replaces tyrosine 3515 with aspartic acid.
Molecular consequence: missense variant.
Genome position (GRCh38, 1-based): chr8:99,853,932, T>G. VCF-style: chr8-99853932-T-G. GRCh37 (hg19) VCF-style: chr8-100866160-T-G.
Other names: c.10618T>G, p.Tyr3540Asp (NM_017890.5); short protein forms Y3540D, Y3515D.
Identifiers: ClinVar variation 4991013 (VCV004991013.1).